The following is an entry in ClinVar:

ClinVar aggregate classification (germline): Uncertain significance. Review status: criteria provided, multiple submitters, no conflicts (2 of 4 stars). 2 submissions from 2 submitters: Uncertain significance (2). Last evaluated 2022-10-18.

Conditions:
Renal cell carcinoma. Identifiers: Orphanet 217071, MedGen C0007134, MeSH D002292, MONDO:0005086, HP:0005584.
Hereditary cancer-predisposing syndrome. Also called: Hereditary neoplastic syndrome; Tumor predisposition; Neoplastic Syndromes, Hereditary; Hereditary Cancer Syndrome. Identifiers: Orphanet 140162, MedGen C0027672, MeSH D009386, MONDO:0015356.

Submissions (2):

Ambry Genetics
Classification: Uncertain significance for Hereditary cancer-predisposing syndrome. Last evaluated: 2022-10-18. Review status: criteria provided, single submitter. Criteria: Ambry Variant Classification Scheme 2023. Collection method: clinical testing. Allele origin: germline.
Comment: The p.P147S variant (also known as c.439C>T), located in coding exon 1 of the MET gene, results from a C to T substitution at nucleotide position 439. The proline at codon 147 is replaced by serine, an amino acid with similar properties. This amino acid position is well conserved in available vertebrate species. In addition, this alteration is predicted to be tolerated by in silico analysis. Since supporting evidence is limited at this time, the clinical significance of this alteration remains unclear.

Labcorp Genetics (formerly Invitae), Labcorp
Classification: Uncertain significance for Renal cell carcinoma. Last evaluated: 2021-01-18. Review status: criteria provided, single submitter. Criteria: Invitae Variant Classification Sherloc (09022015). Collection method: clinical testing. Allele origin: germline.
Comment: In summary, the available evidence is currently insufficient to determine the role of this variant in disease. Therefore, it has been classified as a Variant of Uncertain Significance. Algorithms developed to predict the effect of missense changes on protein structure and function (SIFT, PolyPhen-2, Align-GVGD) all suggest that this variant is likely to be tolerated, but these predictions have not been confirmed by published functional studies and their clinical significance is uncertain. This variant has not been reported in the literature in individuals with MET-related conditions. This variant is not present in population databases (ExAC no frequency). This sequence change replaces proline with serine at codon 147 of the MET protein (p.Pro147Ser). The proline residue is moderately conserved and there is a moderate physicochemical difference between proline and serine.

NM_000245.4(MET):c.439C>T (p.Pro147Ser)

Gene: MET (MET proto-oncogene, receptor tyrosine kinase; plus strand). Cytogenetic location: 7q31.2.
Variant type: single nucleotide variant.
Coding change: c.439C>T on transcript NM_000245.4 (MANE Select); coding-DNA position 439, C replaced by T.
Protein change: p.Pro147Ser; replaces proline 147 with serine.
Molecular consequence: missense variant. On other transcripts: intron variant (1).
Genome position (GRCh38, 1-based): chr7:116,699,523, C>T. VCF-style: chr7-116699523-C-T. GRCh37 (hg19) VCF-style: chr7-116339577-C-T.
Other names: c.439C>T, p.Pro147Ser (NM_001127500.3, NM_001324401.3); c.-91+26946C>T (NM_001324402.2); short protein forms P147S.
Identifiers: ClinVar variation 1503207 (VCV001503207.10), dbSNP rs2116588845, ClinGen allele CA368969085.